The following is an entry in ClinVar:

NM_014822.4(SEC24D):c.1599del (p.Gln533fs)

Gene: SEC24D (SEC24 homolog D, COPII component; minus strand). Cytogenetic location: 4q26.
Variant type: Deletion.
Coding change: c.1599del on transcript NM_014822.4 (MANE Select); coding-DNA position 1599, one base deleted (A; older notation c.1599delA).
Protein change: p.Gln533fs; shifts the reading frame from glutamine 533.
Molecular consequence: frameshift variant.
Genome position (GRCh38, 1-based): chr4:118,752,711, T deleted on the plus strand (A on the coding strand, the reverse complement: SEC24D is on the minus strand); the first of 2 consecutive T bases (chr4:118,752,711-118,752,712); deleting either gives the same sequence. VCF-style (leftmost placement, unchanged base first): chr4-118752710-AT-A. GRCh37 (hg19) VCF-style: chr4-119673865-AT-A.
Other names: c.1602del, p.Gln534fs (NM_001318066.2); short protein forms Q533fs, Q534fs.
Identifiers: ClinVar variation 3618466 (VCV003618466.2).
Genomic context (GRCh38, chr4:118,752,710, plus strand): 5'-ACAAAACACCTGATTTACTTTTAAATTATAAAACACTTGATATTTACTTATGAATCACAG[AT>A]TGGGATTCTTGATAGTTGACAAGGAAACCATCCAACAAAGGAACAAAGACTTCTCCAACA-3'

ClinVar aggregate classification (germline): Pathogenic (1 of 4 stars; one submission).

Submission:

Labcorp Genetics (formerly Invitae), Labcorp
Classification: Pathogenic. Last evaluated: 2025-07-18. Review status: criteria provided, single submitter. Criteria: Invitae Variant Classification Sherloc (09022015). Collection method: clinical testing. Allele origin: germline.
Comment: This sequence change creates a premature translational stop signal (p.Gln533Hisfs*3) in the SEC24D gene. It is expected to result in an absent or disrupted protein product. Loss-of-function variants in SEC24D are known to be pathogenic (PMID: 25683121, 30462379). This variant is present in population databases (no rsID available, gnomAD 0.002%). This variant has not been reported in the literature in individuals affected with SEC24D-related conditions. ClinVar contains an entry for this variant (Variation ID: 3618466). For these reasons, this variant has been classified as Pathogenic.

Literature cited by the submitters: PubMed 25683121; PubMed 30462379.